The following is an entry in ClinVar:

ClinVar aggregate classification (germline): Benign. Review status: criteria provided, multiple submitters, no conflicts (2 of 4 stars). 2 submissions from 2 submitters: Benign (2). Last evaluated 2018-06-14.

Conditions:
Wolfram syndrome 1 (WFS1). Identifiers: Orphanet 3463, MedGen C4551693, MONDO:0009101, OMIM 222300.

Allele frequency attached by ClinVar (database versions not stated): gnomAD 0.63899 and 0.64828; TOPMed 0.64855; 1000 Genomes Project 30x 0.73251; 1000 Genomes Project 0.73622.
gnomAD v4.1: 98,278 of 151,876 alleles (65%); highest among the groups gnomAD compares: East Asian, 97%; 32,357 homozygotes.

Submissions (2):

GeneDx
Classification: Benign. Last evaluated: 2018-06-14. Review status: criteria provided, single submitter. Criteria: GeneDx Variant Classification (06012015). Collection method: clinical testing. Allele origin: germline. Affected: yes.
Comment: This variant is considered likely benign or benign based on one or more of the following criteria: it is a conservative change, it occurs at a poorly conserved position in the protein, it is predicted to be benign by multiple in silico algorithms, and/or has population frequency not consistent with disease.

Clinical Genomics, Uppaluri K&H Personalized Medicine Clinic
Classification: Benign for Wolfram syndrome 1. Review status: criteria provided, single submitter. Criteria: K & H Uppaluri Personalized Medicine Clinic Variant Classification & Assertion Criteria_Updated V.1. Collection method: research. Allele origin: unknown. Inheritance: Autosomal recessive inheritance.
Comment: Potent mutations in WFS1 gene are associated with Wolfram's syndrome, an autosomal recessive condition, which cause diabetes mellitus, diabetes insipidus, deafness and optic atrophy. However no sufficient evidence is found to ascertain the role of this particular variant rs4689395 in Wolfram's syndrome yet.

Literature cited by the submitters: PubMed 20738327 (cited by Clinical Genomics, Uppaluri K&H Personalized Medicine Clinic); PubMed 33879153 (cited by Clinical Genomics, Uppaluri K&H Personalized Medicine Clinic); PubMed 12955714 (cited by Clinical Genomics, Uppaluri K&H Personalized Medicine Clinic); PubMed 18060660 (cited by Clinical Genomics, Uppaluri K&H Personalized Medicine Clinic); PubMed 20301750 (cited by Clinical Genomics, Uppaluri K&H Personalized Medicine Clinic); PubMed 17603484 (cited by Clinical Genomics, Uppaluri K&H Personalized Medicine Clinic).

NM_006005.3(WFS1):c.713-783G>A

Gene: WFS1 (wolframin ER transmembrane glycoprotein; plus strand). Cytogenetic location: 4p16.1.
Variant type: single nucleotide variant.
Coding change: c.713-783G>A on transcript NM_006005.3 (MANE Select); 783 bases into the intron before coding-DNA position 713, G replaced by A.
Molecular consequence: intron variant.
Genome position (GRCh38, 1-based): chr4:6,294,258, G>A. VCF-style: chr4-6294258-G-A. GRCh37 (hg19) VCF-style: chr4-6295985-G-A.
Other names: c.713-783G>A (NM_001145853.1).
Identifiers: ClinVar variation 684351 (VCV000684351.2), dbSNP rs4689395, ClinGen allele CA11634642.